The following is an entry in ClinVar:

ClinVar aggregate classification (germline): Pathogenic/Likely pathogenic. Review status: criteria provided, multiple submitters, no conflicts (2 of 4 stars). 2 submissions from 2 submitters: Pathogenic (1); Likely pathogenic (1). Last evaluated 2024-11-19.

Conditions:
Microcephaly, normal intelligence and immunodeficiency (NBS). Also called: SEEMANOVA SYNDROME II; IMMUNODEFICIENCY, MICROCEPHALY, AND CHROMOSOMAL INSTABILITY; Immunodeficiency, microcephaly with normal intelligence; BERLIN BREAKAGE SYNDROME; Nijmegen breakage syndrome; Microcephaly with normal intelligence immunodeficiency and lymphoreticular malignancies. Identifiers: Orphanet 647, MedGen C0398791, MONDO:0009623, OMIM 251260.

Submissions (2):

Natera, Inc.
Classification: Likely pathogenic for Nijmegen breakage syndrome. Last evaluated: 2024-11-19. Review status: criteria provided, single submitter. Criteria: Natera Variant Classification Schema (03/2026). Collection method: clinical testing. Allele origin: germline.
Comment: The c.877del variant in NBN is a frameshift variant predicted to shift the reading frame and introduce a stop codon. This variant is expected to result in nonsense mediated decay, truncation, or a dysfunctional protein product. This variant is rare in the general population with a frequency below the threshold expected for the associated phenotype(s). Given the available evidence, this variant is classified as Likely Pathogenic.

Labcorp Genetics (formerly Invitae), Labcorp
Classification: Pathogenic for Microcephaly, normal intelligence and immunodeficiency. Last evaluated: 2022-02-27. Review status: criteria provided, single submitter. Criteria: Invitae Variant Classification Sherloc (09022015). Collection method: clinical testing. Allele origin: germline.
Comment: This sequence change creates a premature translational stop signal (p.Ile293*) in the NBN gene. It is expected to result in an absent or disrupted protein product. Loss-of-function variants in NBN are known to be pathogenic (PMID: 9590180, 16415040). This variant is not present in population databases (gnomAD no frequency). This variant has not been reported in the literature in individuals affected with NBN-related conditions. ClinVar contains an entry for this variant (Variation ID: 861544). For these reasons, this variant has been classified as Pathogenic.

Literature cited by the submitters: PubMed 9590180 (cited by Labcorp Genetics (formerly Invitae), Labcorp); PubMed 16415040 (cited by Labcorp Genetics (formerly Invitae), Labcorp).

NM_002485.5(NBN):c.877del (p.Ser292_Ile293insTer)

Gene: NBN (nibrin; minus strand). Cytogenetic location: 8q21.3.
Variant type: Deletion.
Coding change: c.877del on transcript NM_002485.5 (MANE Select); coding-DNA position 877, one base deleted (A; older notation c.877delA).
Protein change: p.Ser292_Ile293insTer.
Molecular consequence: nonsense.
Genome position (GRCh38, 1-based): chr8:89,970,383, T deleted on the plus strand (A on the coding strand, the reverse complement: NBN is on the minus strand); the first of 2 consecutive T bases (chr8:89,970,383-89,970,384); deleting either gives the same sequence. VCF-style (leftmost placement, unchanged base first): chr8-89970382-AT-A. GRCh37 (hg19) VCF-style: chr8-90982610-AT-A.
Other names: c.631del, p.Ser210_Ile211insTer (NM_001024688.3).
Identifiers: ClinVar variation 861544 (VCV000861544.8), dbSNP rs1811450828, ClinGen allele CA916079926.
Genomic context (GRCh38, chr8:89,970,382, plus strand): 5'-CTCCTACTTGCAGTTTTTTACTAATAAAGAATAATTCTATACCTTTGGAGCATATCCATT[AT>A]TGACTGAATCCATTTCTTCTGACAGTCAGGAATTAAGGTCTGTGAGTTTGTTATTCCTGT-3'